The following is an entry in ClinVar:

NM_002485.5(NBN):c.721G>T (p.Ala241Ser)

Gene: NBN (nibrin; minus strand). Cytogenetic location: 8q21.3.
Variant type: single nucleotide variant.
Coding change: c.721G>T on transcript NM_002485.5 (MANE Select); coding-DNA position 721, G replaced by T.
Protein change: p.Ala241Ser; replaces alanine 241 with serine.
Molecular consequence: missense variant.
Genome position (GRCh38, 1-based): chr8:89,970,539, C>A on the plus strand (G>T on the coding strand, the complement: NBN is on the minus strand). VCF-style: chr8-89970539-C-A. GRCh37 (hg19) VCF-style: chr8-90982767-C-A.
Other names: c.475G>T, p.Ala159Ser (NM_001024688.3); short protein forms A159S, A241S.
Identifiers: ClinVar variation 860445 (VCV000860445.8), dbSNP rs587781333, ClinGen allele CA371658861.
Genomic context (GRCh38, chr8:89,970,539, plus strand): 5'-TATGTTCTTCTTCATTCTCTTCTGTTATCAACCTAGCTTCCCCACCTCCAAAGACAACTG[C>A]GGAACTCAATTTCTTATGCTAAAAATGGAAGGAAACATTTTTTAAAGTAAAATGTAGTAA-3'
Protein context (NP_002476.2, residues 231-251): NAKQHKKLSS[Ala241Ser]VVFGGGEARL

ClinVar aggregate classification (germline): Uncertain significance (1 of 4 stars; one submission).

Conditions:
Microcephaly, normal intelligence and immunodeficiency (NBS). Also called: SEEMANOVA SYNDROME II; IMMUNODEFICIENCY, MICROCEPHALY, AND CHROMOSOMAL INSTABILITY; Immunodeficiency, microcephaly with normal intelligence; BERLIN BREAKAGE SYNDROME; Nijmegen breakage syndrome; Microcephaly with normal intelligence immunodeficiency and lymphoreticular malignancies. Identifiers: Orphanet 647, MedGen C0398791, MONDO:0009623, OMIM 251260.

Submission:

Labcorp Genetics (formerly Invitae), Labcorp
Classification: Uncertain significance for Microcephaly, normal intelligence and immunodeficiency. Last evaluated: 2024-04-03. Review status: criteria provided, single submitter. Criteria: Invitae Variant Classification Sherloc (09022015). Collection method: clinical testing. Allele origin: germline.
Comment: This sequence change replaces alanine, which is neutral and non-polar, with serine, which is neutral and polar, at codon 241 of the NBN protein (p.Ala241Ser). This variant is not present in population databases (gnomAD no frequency). This variant has not been reported in the literature in individuals affected with NBN-related conditions. ClinVar contains an entry for this variant (Variation ID: 860445). An algorithm developed to predict the effect of missense changes on protein structure and function (PolyPhen-2) suggests that this variant is likely to be disruptive. In summary, the available evidence is currently insufficient to determine the role of this variant in disease. Therefore, it has been classified as a Variant of Uncertain Significance.